The following is an entry in ClinVar:

NM_000083.3(CLCN1):c.2172G>A (p.Glu724=)

Gene: CLCN1 (chloride voltage-gated channel 1; plus strand). Cytogenetic location: 7q34.
Variant type: single nucleotide variant.
Coding change: c.2172G>A on transcript NM_000083.3 (MANE Select); coding-DNA position 2172, G replaced by A.
Protein change: p.Glu724=; no amino-acid change (glutamic acid 724 retained).
Molecular consequence: synonymous variant. On other transcripts: non-coding transcript variant (1).
Genome position (GRCh38, 1-based): chr7:143,345,762, G>A. VCF-style: chr7-143345762-G-A. GRCh37 (hg19) VCF-style: chr7-143042855-G-A.
Identifiers: ClinVar variation 4856643 (VCV004856643.1).

ClinVar aggregate classification (germline): Pathogenic (1 of 4 stars; one submission).

Conditions:
Skeletal muscle channelopathy.

gnomAD v4.1: 1 of 1,606,756 alleles (0.000062%); highest among the groups gnomAD compares: Non-Finnish European, 0.000085%; no homozygotes.

Submission:

Genetics Laboratory, Great Ormond Street Hospital NHS Foundation Trust, North Thames Genomic Laboratory Hub
Classification: Pathogenic for Skeletal muscle channelopathy. Last evaluated: 2026-04-17. Review status: criteria provided, single submitter. Criteria: ACGS Best Practice Guidelines for Variant Classification in Rare Disease 2024 v1.2. Collection method: clinical testing. Allele origin: germline. Affected: yes.
Comment: PM2_moderate, PVS1_very-strong, PM3_supporting, PP4_supporting